The following is an entry in ClinVar:

NM_206926.2(SELENON):c.9_33del (p.Ala4fs)

Gene: SELENON (selenoprotein N; plus strand). Cytogenetic location: 1p36.11.
Variant type: Deletion.
Coding change: c.9_33del on transcript NM_206926.2 (MANE Select); coding-DNA positions 9 to 33, 25 bases deleted (GGCCCGGCCGGGCCAACGCGGGCCG).
Protein change: p.Ala4fs; shifts the reading frame from alanine 4.
Molecular consequence: frameshift variant, initiator codon variant.
Genome position (GRCh38, 1-based): chr1:25,800,239-25,800,263, GGCCCGGCCGGGCCAACGCGGGCCG deleted; deleting any 25 consecutive bases within chr1:25,800,233-25,800,263 gives the same sequence; the c. name uses the placement nearest the transcript's 3' end. VCF-style (leftmost placement, unchanged base first): chr1-25800232-TGGGCCGGGCCCGGCCGGGCCAACGC-T. GRCh37 (hg19) VCF-style: chr1-26126723-TGGGCCGGGCCCGGCCGGGCCAACGC-T.
Other names: NM_020451.3(SELENON):c.9_33del; p.Ala4fs; c.9_33del25 (NM_020451.2); c.9_33delGGCCCGGCCGGGCCAACGCGGGCCG (NM_020451.2); c.9_33del, p.Ala4fs (NM_020451.3); c.9_33del (NM_020451.2); short protein forms A4fs.
Identifiers: ClinVar variation 280406 (VCV000280406.14), dbSNP rs886041619, ClinGen allele CA10602785.

ClinVar aggregate classification (germline): Pathogenic/Likely pathogenic. Review status: criteria provided, multiple submitters, no conflicts (2 of 4 stars). 5 submissions from 5 submitters: Pathogenic (4); Likely pathogenic (1). Last evaluated 2026-01-13.

Conditions:
Eichsfeld type congenital muscular dystrophy (CMYO3). Also called: MYOPATHY, SEPN1-RELATED; Rigid spine muscular dystrophy 1; SELENON-related myopathy; Congenital myopathy 3 with rigid spine. Identifiers: MedGen C0410180, MONDO:0100100, OMIM 602771.

Submissions (5):

Labcorp Genetics (formerly Invitae), Labcorp
Classification: Pathogenic for Eichsfeld type congenital muscular dystrophy. Last evaluated: 2026-01-13. Review status: criteria provided, single submitter. Criteria: Invitae Variant Classification Sherloc (09022015). Collection method: clinical testing. Allele origin: germline.
Comment: This sequence change creates a premature translational stop signal (p.Ala4Profs*54) in the SELENON gene. It is expected to result in an absent or disrupted protein product. Loss-of-function variants in SELENON are known to be pathogenic (PMID: 21131290, 21670436). The frequency data for this variant in the population databases is considered unreliable, as metrics indicate insufficient coverage at this position in the gnomAD database. This premature translational stop signal has been observed in individual(s) with selenoprotein-related myopathy (PMID: 21670436). ClinVar contains an entry for this variant (Variation ID: 280406). For these reasons, this variant has been classified as Pathogenic.

Broad Center for Mendelian Genomics, Broad Institute of MIT and Harvard
Classification: Likely pathogenic. Last evaluated: 2025-04-29. Review status: criteria provided, single submitter. Criteria: ACMG Guidelines, 2015. Collection method: curation. Allele origin: germline. Inheritance: Autosomal recessive inheritance.
Comment: The heterozygous p.Ala4ProfsTer? variant in SELENON has been reported in 2 unrelated individuals with rigid spine muscular dystrophy 1 (PMID: 21670436), and has been identified in 0.004% (23/639376) of European (non-Finnish) chromosomes by the Genome Aggregation Database (gnomAD; dbSNP rs886041619). Although this variant has been seen in the general population in a heterozygous state, its frequency is low enough to be consistent with a recessive carrier frequency. This variant has been reported in ClinVar (VCV000280406.12) and has been interpreted as Pathogenic by GeneDx, Women's Health and Genetics/Laboratory Corporation of America, and Labcorp Genetics (formerly Invitae). This variant is predicted to cause a frameshift, which alters the protein’s amino acid sequence beginning at position and leads to a premature termination codon downstream. This alteration is then predicted to lead to a truncated or absent protein. Loss of function of the SELENON gene is an established disease mechanism in autosomal recessive rigid spine muscular dystrophy 1. In summary, although additional studies are required to fully establish its clinical significance, this variant is likely pathogenic for autosomal recessive rigid spine muscular dystrophy 1. ACMG/AMP Criteria applied: PVS1, PM2_supporting (Richards 2015).

Fulgent Genetics
Classification: Pathogenic for Eichsfeld type congenital muscular dystrophy. Last evaluated: 2024-02-15. Review status: criteria provided, single submitter. Criteria: ACMG Guidelines, 2015. Collection method: clinical testing. Allele origin: germline.

GeneDx
Classification: Pathogenic. Last evaluated: 2023-06-05. Review status: criteria provided, single submitter. Criteria: GeneDx Variant Classification Process June 2021. Collection method: clinical testing. Allele origin: germline. Affected: yes.
Comment: Frameshift variant predicted to result in protein truncation or nonsense mediated decay in a gene for which loss of function is a known mechanism of disease; Not observed at significant frequency in large population cohorts (gnomAD); Has not been previously published as pathogenic or benign to our knowledge

Women's Health and Genetics/Laboratory Corporation of America, LabCorp
Classification: Pathogenic for Eichsfeld type congenital muscular dystrophy. Last evaluated: 2023-03-17. Review status: criteria provided, single submitter. Criteria: LabCorp Variant Classification Summary - May 2015. Collection method: clinical testing. Allele origin: germline.
Comment: Variant summary: SELENON c.9_33del25 (p.Ala4ProfsX54) results in a premature termination codon, predicted to cause a truncation of the encoded protein or absence of the protein due to nonsense mediated decay, which are commonly known mechanisms for disease. Truncations downstream of this position have been classified as pathogenic by our laboratory. The variant was absent in 24242 control chromosomes (gnomAD). c.9_33del25 has been reported in the literature in at least two compound heterozygous individuals affected with selenoprotein N-related myopathy (Scoto_2011). These data indicate that the variant may be associated with disease. To our knowledge, no experimental evidence demonstrating an impact on protein function has been reported. Two ClinVar submitters have assessed the variant since 2014: both classified the variant as pathogenic. Based on the evidence outlined above, the variant was classified as pathogenic.

Literature cited by the submitters: PubMed 21131290 (cited by Labcorp Genetics (formerly Invitae), Labcorp); PubMed 21670436 (cited by 3 submitters).